The following is an entry in ClinVar:

NM_000444.6(PHEX):c.978_979del (p.Tyr327fs)

Gene: PHEX (phosphate regulating endopeptidase X-linked; plus strand). Cytogenetic location: Xp22.11.
Variant type: Microsatellite.
Coding change: c.978_979del on transcript NM_000444.6 (MANE Select); coding-DNA positions 978 to 979, 2 bases deleted (CT; older notation c.978_979delCT).
Protein change: p.Tyr327fs; shifts the reading frame from tyrosine 327.
Molecular consequence: frameshift variant.
Genome position (GRCh38, 1-based): chrX:22,099,050-22,099,051, CT deleted; deleting any 2 consecutive bases within chrX:22,099,048-22,099,051 gives the same sequence; the c. name uses the placement nearest the transcript's 3' end. VCF-style (leftmost placement, unchanged base first): chrX-22099047-ACT-A. GRCh37 (hg19) VCF-style: chrX-22117165-ACT-A.
Other names: c.978_979del, p.Tyr327fs (NM_001282754.2); short protein forms Y327fs.
Identifiers: ClinVar variation 857086 (VCV000857086.9), dbSNP rs1930295441, ClinGen allele CA916083871.
Genomic context (GRCh38, chrX:22,099,047, plus strand): 5'-TTGTTCTCTCTCCCCTCAGTTCGACTGGCTGGGCTACATCAAGAAGGTCATTGACACCAG[ACT>A]CTACCCCCATCTGAAAGACATCAGCCCCTCCGAGAATGTGGTGGTCCGCGTCCCGCAGTA-3'

ClinVar aggregate classification (germline): Pathogenic (1 of 4 stars; one submission).

Submission:

Labcorp Genetics (formerly Invitae), Labcorp
Classification: Pathogenic. Last evaluated: 2019-11-26. Review status: criteria provided, single submitter. Criteria: Invitae Variant Classification Sherloc (09022015). Collection method: clinical testing. Allele origin: germline.
Comment: This sequence change creates a premature translational stop signal (p.Tyr327Profs*21) in the PHEX gene. It is expected to result in an absent or disrupted protein product. For these reasons, this variant has been classified as Pathogenic. Loss-of-function variants in PHEX are known to be pathogenic (PMID: 9097956, 9106524, 19219621). This variant has been observed in individual(s) with hypophosphatemic rickets (Invitae). This variant is not present in population databases (ExAC no frequency).

Literature cited by the submitters: PubMed 9097956; PubMed 9106524; PubMed 19219621.